The following is an entry in ClinVar:

ClinVar aggregate classification (germline): Uncertain significance. Review status: criteria provided, multiple submitters, no conflicts (2 of 4 stars). 2 submissions from 2 submitters: Uncertain significance (2). Last evaluated 2024-07-01.

Conditions:
Long QT syndrome (LQTS). Identifiers: MedGen C0023976, MeSH D008133, MONDO:0002442. Disease mechanism: loss of function. Inheritance: Various modes of inheritance.
Cardiovascular phenotype. Identifiers: MedGen CN230736.

Allele frequency attached by ClinVar (database versions not stated): gnomAD 0.00001; gnomAD exomes 0.00001; TOPMed 0.00002.
gnomAD v4.1: 13 of 1,613,994 alleles (0.00081%); highest among the groups gnomAD compares: East Asian, 0.011%; no homozygotes.

Submissions (2):

Labcorp Genetics (formerly Invitae), Labcorp
Classification: Uncertain significance for Long QT syndrome. Last evaluated: 2024-07-01. Review status: criteria provided, single submitter. Criteria: Invitae Variant Classification Sherloc (09022015). Collection method: clinical testing. Allele origin: germline.
Comment: This sequence change replaces arginine, which is basic and polar, with glutamine, which is neutral and polar, at codon 3308 of the AKAP9 protein (p.Arg3308Gln). This variant is not present in population databases (gnomAD no frequency). This variant has not been reported in the literature in individuals affected with AKAP9-related conditions. ClinVar contains an entry for this variant (Variation ID: 1768625). An algorithm developed to predict the effect of missense changes on protein structure and function (PolyPhen-2) suggests that this variant is likely to be tolerated. In summary, the available evidence is currently insufficient to determine the role of this variant in disease. Therefore, it has been classified as a Variant of Uncertain Significance.

Ambry Genetics
Classification: Uncertain significance for Cardiovascular phenotype. Last evaluated: 2024-01-23. Review status: criteria provided, single submitter. Criteria: Ambry Variant Classification Scheme 2023. Collection method: clinical testing. Allele origin: germline.
Comment: The p.R3308Q variant (also known as c.9923G>A), located in coding exon 41 of the AKAP9 gene, results from a G to A substitution at nucleotide position 9923. The arginine at codon 3308 is replaced by glutamine, an amino acid with highly similar properties. This amino acid position is conserved. In addition, this alteration is predicted to be tolerated by in silico analysis. Since supporting evidence is limited at this time, the clinical significance of this alteration remains unclear.

NM_005751.5(AKAP9):c.9923G>A (p.Arg3308Gln)

Gene: AKAP9 (A-kinase anchoring protein 9; plus strand). Cytogenetic location: 7q21.2.
Variant type: single nucleotide variant.
Coding change: c.9923G>A on transcript NM_005751.5 (MANE Select); coding-DNA position 9923, G replaced by A.
Protein change: p.Arg3308Gln; replaces arginine 3308 with glutamine.
Molecular consequence: missense variant.
Genome position (GRCh38, 1-based): chr7:92,096,882, G>A. VCF-style: chr7-92096882-G-A. GRCh37 (hg19) VCF-style: chr7-91726196-G-A.
Other names: c.4568G>A, p.Arg1523Gln (NM_001379277.1); c.9899G>A, p.Arg3300Gln (NM_147185.3); short protein forms R1523Q, R3300Q, R3308Q.
Identifiers: ClinVar variation 1768625 (VCV001768625.4), dbSNP rs1473679847, ClinGen allele CA368152012.